The following is an entry in ClinVar:

NM_000157.4(GBA1):c.761+1G>T

Genes: GBA1 (glucosylceramidase beta 1; minus strand), LOC106627981 (GBA recombination region; plus strand). Cytogenetic location: 1q22.
Variant type: single nucleotide variant.
Coding change: c.761+1G>T on transcript NM_000157.4 (MANE Select); the canonical splice donor site of the intron after coding-DNA position 761, G replaced by T.
Molecular consequence: splice donor variant.
Genome position (GRCh38, 1-based): chr1:155,238,133, C>A on the plus strand (G>T on the coding strand, the complement: GBA1 is on the minus strand). VCF-style: chr1-155238133-C-A. GRCh37 (hg19) VCF-style: chr1-155207924-C-A.
Other names: c.500+1G>T (NM_001171811.2); c.761+1G>T (NM_001005742.3, NM_001005741.3); c.614+1G>T (NM_001171812.2).
Identifiers: ClinVar variation 4817806 (VCV004817806.1).

ClinVar aggregate classification (germline): Likely pathogenic (1 of 4 stars; one submission).

Conditions:
Gaucher disease. Also called: Acute cerebral Gaucher disease; Cerebroside lipidosis syndrome; Gaucher splenomegaly; Sphingolipidosis 1; Glucocerebrosidosis; Glucosylceramidase deficiency. Identifiers: Orphanet 355, MedGen C0017205, MONDO:0018150.

Submission:

Natera, Inc.
Classification: Likely pathogenic for Gaucher disease. Last evaluated: 2024-02-21. Review status: criteria provided, single submitter. Criteria: Natera Variant Classification Schema (03/2026). Collection method: clinical testing. Allele origin: germline.
Comment: The c.761+1G>T variant in GBA1 is a canonical splice donor site variant predicted to affect pre-mRNA splicing, which may result in an abnormal transcript and altered protein product. This variant is expected to result in nonsense mediated decay, truncation, or a dysfunctional protein product. This variant is rare in the general population with a frequency below the threshold expected for the associated phenotype(s). Given the available evidence, this variant is classified as Likely Pathogenic.